The following is an entry in ClinVar:

ClinVar aggregate classification (germline): Pathogenic (1 of 4 stars; one submission).

Submission:

Labcorp Genetics (formerly Invitae), Labcorp
Classification: Pathogenic. Last evaluated: 2022-05-15. Review status: criteria provided, single submitter. Criteria: Invitae Variant Classification Sherloc (09022015). Collection method: clinical testing. Allele origin: germline.
Comment: This sequence change replaces alanine, which is neutral and non-polar, with threonine, which is neutral and polar, at codon 538 of the ABCA4 protein (p.Ala538Thr). For these reasons, this variant has been classified as Pathogenic. Advanced modeling of protein sequence and biophysical properties (such as structural, functional, and spatial information, amino acid conservation, physicochemical variation, residue mobility, and thermodynamic stability) performed at Invitae indicates that this missense variant is expected to disrupt ABCA4 protein function. This missense change has been observed in individual(s) with Stargardt disease (Invitae). In at least one individual the data is consistent with being in trans (on the opposite chromosome) from a pathogenic variant. This variant is not present in population databases (gnomAD no frequency).

NM_000350.3(ABCA4):c.1612G>A (p.Ala538Thr)

Gene: ABCA4 (ATP binding cassette subfamily A member 4; minus strand). Cytogenetic location: 1p22.1.
Variant type: single nucleotide variant.
Coding change: c.1612G>A on transcript NM_000350.3 (MANE Select); coding-DNA position 1612, G replaced by A.
Protein change: p.Ala538Thr; replaces alanine 538 with threonine.
Molecular consequence: missense variant.
Genome position (GRCh38, 1-based): chr1:94,063,260, C>T on the plus strand (G>A on the coding strand, the complement: ABCA4 is on the minus strand). VCF-style: chr1-94063260-C-T. GRCh37 (hg19) VCF-style: chr1-94528816-C-T.
Other names: c.1612G>A, p.Ala538Thr (NM_001425324.1); short protein forms A538T.
Identifiers: ClinVar variation 1994524 (VCV001994524.4), dbSNP rs2523844235, ClinGen allele CA341280505.